The following is an entry in ClinVar:

NM_001174147.2(LMX1B):c.*451C>T

Gene: LMX1B (LIM homeobox transcription factor 1 beta; plus strand). Cytogenetic location: 9q33.3.
Variant type: single nucleotide variant.
Coding change: c.*451C>T on transcript NM_001174147.2 (MANE Select); 451 bases downstream of the stop codon, C replaced by T.
Molecular consequence: 3 prime UTR variant.
Genome position (GRCh38, 1-based): chr9:126,696,902, C>T. VCF-style: chr9-126696902-C-T. GRCh37 (hg19) VCF-style: chr9-129459181-C-T.
Other names: c.*451C>T (NM_001174146.2, NM_002316.4).
Identifiers: ClinVar variation 364905 (VCV000364905.6), dbSNP rs71497630, ClinGen allele CA10632269.

ClinVar aggregate classification (germline): Benign. Review status: criteria provided, multiple submitters, no conflicts (2 of 4 stars). 2 submissions from 2 submitters: Benign (2). Last evaluated 2018-01-13.

Conditions:
Nail-patella syndrome (NPS). Also called: FONG DISEASE; ONYCHOOSTEODYSPLASIA; TURNER-KIESER SYNDROME. Identifiers: Orphanet 2614, MedGen C0027341, MONDO:0008061, OMIM 161200.

Allele frequency attached by ClinVar (database versions not stated): gnomAD 0.10571 and 0.10883; gnomAD exomes 0.10893; TOPMed 0.11202; 1000 Genomes Project 30x 0.15100; 1000 Genomes Project 0.15156.

Submissions (2):

Illumina Laboratory Services, Illumina
Classification: Benign for Nail-patella syndrome. Last evaluated: 2018-01-13. Review status: criteria provided, single submitter. Criteria: ICSL Variant Classification Criteria 13 December 2019. Collection method: clinical testing. Allele origin: germline.
Comment: This variant was observed in the ICSL laboratory as part of a predisposition screen in an ostensibly healthy population. It had not been previously curated by ICSL or reported in the Human Gene Mutation Database (HGMD: prior to June 1st, 2018), and was therefore a candidate for classification through an automated scoring system. Utilizing variant allele frequency, disease prevalence and penetrance estimates, and inheritance mode, an automated score was calculated to assess if this variant is too frequent to cause the disease. Based on the score and internal cut-off values, a variant classified as benign is not then subjected to further curation. The score for this variant resulted in a classification of benign for this disease.

Breakthrough Genomics
Classification: Benign. Review status: criteria provided, single submitter. Criteria: ACMG Guidelines, 2015. Collection method: not provided. Allele origin: germline. Inheritance: Autosomal dominant inheritance. Affected: yes.